The following is an entry in ClinVar:

ClinVar aggregate classification (germline): Conflicting classifications of pathogenicity. Review status: criteria provided, conflicting classifications (1 of 4 stars). 6 submissions from 6 submitters: Uncertain significance (1); Benign (1); Likely benign (1). 3 of the submissions do not count toward it. Last evaluated 2024-11-27.

Submissions (6):

Blueprint Genetics
Classification: Likely benign. Last evaluated: 2024-11-27. Review status: criteria provided, single submitter. Criteria: ACMG Guidelines, 2015. Collection method: clinical testing. Allele origin: germline.

Mayo Clinic Laboratories, Mayo Clinic
Classification: Benign. Last evaluated: 2021-07-26. Review status: criteria provided, single submitter. Criteria: ACMG Guidelines, 2015. Collection method: clinical testing. Allele origin: germline. Observed: 11 variant alleles.
Comment: BA1, BP4

Breakthrough Genomics
Classification: Uncertain significance. Review status: criteria provided, single submitter. Criteria: ACMG Guidelines, 2015. Collection method: not provided. Allele origin: germline. Inheritance: Autosomal recessive inheritance. Affected: yes.

Clinical Genetics DNA and cytogenetics Diagnostics Lab, Erasmus MC, Erasmus Medical Center
Classification: Benign. Review status: no assertion criteria provided. Collection method: clinical testing. Allele origin: germline. Affected: yes. Study: VKGL Data-share Consensus. Not counted in ClinVar's aggregate classification.

Diagnostic Laboratory, Department of Genetics, University Medical Center Groningen
Classification: Benign. Review status: no assertion criteria provided. Collection method: clinical testing. Allele origin: germline. Affected: yes. Study: VKGL Data-share Consensus. Not counted in ClinVar's aggregate classification.

Laboratory of Diagnostic Genome Analysis, Leiden University Medical Center (LUMC)
Classification: Likely benign. Review status: no assertion criteria provided. Collection method: clinical testing. Allele origin: germline. Affected: yes. Study: VKGL Data-share Consensus. Not counted in ClinVar's aggregate classification.

NM_000181.4(GUSB):c.1790-18dup

Gene: GUSB (glucuronidase beta; minus strand). Cytogenetic location: 7q11.21.
Variant type: Duplication.
Coding change: c.1790-18dup on transcript NM_000181.4 (MANE Select); 18 bases into the intron before coding-DNA position 1790, one base duplicated (T; older notation c.1790-18dupT).
Molecular consequence: intron variant.
Genome position (GRCh38, 1-based): chr7:65,961,068, A duplicated on the plus strand (T on the coding strand, the reverse complement: GUSB is on the minus strand); the first of 14 consecutive A bases (chr7:65,961,068-65,961,081); duplicating any one gives the same sequence. VCF-style (leftmost placement, unchanged base first): chr7-65961067-C-CA. GRCh37 (hg19) VCF-style: chr7-65426054-C-CA.
Other names: p.?; c.1133-18dup (NM_001293105.2); c.1220-18dup (NM_001293104.2); c.1352-18dup (NM_001284290.2); c.1790-5dup (NM_000181.4).
Identifiers: ClinVar variation 360549 (VCV000360549.13), dbSNP rs750022485, ClinGen allele CA4276168.